The following is an entry in ClinVar:

NM_012291.5(ESPL1):c.6095C>T (p.Ala2032Val)

Gene: ESPL1 (extra spindle pole bodies like 1, separase; plus strand). Cytogenetic location: 12q13.13.
Variant type: single nucleotide variant.
Coding change: c.6095C>T on transcript NM_012291.5 (MANE Select); coding-DNA position 6095, C replaced by T.
Protein change: p.Ala2032Val; replaces alanine 2032 with valine.
Molecular consequence: missense variant.
Genome position (GRCh38, 1-based): chr12:53,292,904, C>T. VCF-style: chr12-53292904-C-T. GRCh37 (hg19) VCF-style: chr12-53686688-C-T.
Other names: short protein forms A2032V.
Identifiers: ClinVar variation 4665363 (VCV004665363.1).

ClinVar aggregate classification (germline): Uncertain significance (1 of 4 stars; one submission).

gnomAD v4.1: 4 of 1,613,668 alleles (0.00025%); highest among the groups gnomAD compares: Non-Finnish European, 0.00034%; no homozygotes.

Submission:

Ambry Genetics
Classification: Uncertain significance. Last evaluated: 2025-12-09. Review status: criteria provided, single submitter. Criteria: Ambry Variant Classification Scheme 2023. Collection method: clinical testing. Allele origin: germline.
Comment: The c.6095C>T (p.A2032V) alteration is located in exon 30 (coding exon 29) of the ESPL1 gene. This alteration results from a C to T substitution at nucleotide position 6095, causing the alanine (A) at amino acid position 2032 to be replaced by a valine (V). Based on data from gnomAD, the T allele has an overall frequency of <0.001% (0/251026) total alleles studied. The highest observed frequency was <0.001% (/) of alleles. Based on insufficient or conflicting evidence, the clinical significance of this alteration remains unclear.